The following is an entry in ClinVar:

ClinVar aggregate classification (germline): Uncertain significance. Review status: criteria provided, multiple submitters, no conflicts (2 of 4 stars). 2 submissions from 2 submitters: Uncertain significance (2). Last evaluated 2025-01-07.

Conditions:
Inborn genetic diseases. Identifiers: MedGen C0950123, MeSH D030342.
Deafness-lymphedema-leukemia syndrome. Also called: Lymphedema, primary, with myelodysplasia; Emberger syndrome. Identifiers: Orphanet 3226, MedGen C3279664, MONDO:0013540, OMIM 614038.

gnomAD v4.1: 3 of 1,554,656 alleles (0.00019%); highest among the groups gnomAD compares: Non-Finnish European, 0.00026%; no homozygotes.

Submissions (2):

Ambry Genetics
Classification: Uncertain significance for Inborn genetic diseases. Last evaluated: 2025-01-07. Review status: criteria provided, single submitter. Criteria: Ambry Variant Classification Scheme 2023. Collection method: clinical testing. Allele origin: germline.
Comment: The c.-5C>T variant is located in the 5' untranslated region (5&rsquo; UTR) of the GATA2 gene. This variant results from a C to T substitution 5 bases upstream from the first translated codon. This nucleotide position is not well conserved in available vertebrate species. Based on the available evidence, the clinical significance of this variant remains unclear.

Illumina Laboratory Services, Illumina
Classification: Uncertain significance for Deafness-lymphedema-leukemia syndrome. Last evaluated: 2018-01-13. Review status: criteria provided, single submitter. Criteria: ICSL Variant Classification Criteria 13 December 2019. Collection method: clinical testing. Allele origin: germline.

NM_032638.5(GATA2):c.-5C>T

Gene: GATA2 (GATA binding protein 2; minus strand). Cytogenetic location: 3q21.3.
Variant type: single nucleotide variant.
Coding change: c.-5C>T on transcript NM_032638.5 (MANE Select); 5 bases upstream of the start codon, C replaced by T.
Molecular consequence: 5 prime UTR variant.
Genome position (GRCh38, 1-based): chr3:128,487,036, G>A on the plus strand (C>T on the coding strand, the complement: GATA2 is on the minus strand). VCF-style: chr3-128487036-G-A. GRCh37 (hg19) VCF-style: chr3-128205879-G-A.
Other names: c.-5C>T (NM_001145661.2, NM_001145662.1).
Identifiers: ClinVar variation 343142 (VCV000343142.6), dbSNP rs374415484, ClinGen allele CA2600133.
Genomic context (GRCh38, chr3:128,487,036, plus strand): 5'-GCATTCAGCACGGCCGGGTGCGCCATCCAGCGCGGCTGCTCGGGCGCCACCTCCATGGCC[G>A]GCGGCGGCGGCTCAGGGTCTGGGTGCAGACGGCAACGGCCCTGCGCGAGGAAGGGGGAGT-3'